The following is an entry in ClinVar:

ClinVar aggregate classification (germline): Benign. Review status: criteria provided, multiple submitters, no conflicts (2 of 4 stars). 6 submissions from 6 submitters: Benign (6). Last evaluated 2026-02-03.

Conditions:
Ichthyosis linearis circumflexa. Identifiers: MedGen C0265962, MONDO:0043106, HP:0025810.
Netherton syndrome (NETH). Also called: ERYTHRODERMA, ICHTHYOSIFORM, WITH HYPOTRICHOSIS AND HYPER-IgE; COMEL-NETHERTON SYNDROME; NETHERTON DISEASE. Identifiers: Orphanet 634, MedGen C5574950, MONDO:0009735, OMIM 256500.

Allele frequency attached by ClinVar (database versions not stated): gnomAD exomes 0.02212 and 0.03134; gnomAD 0.02736 and 0.02924; ESP Exome Variant Server 0.02796; TOPMed 0.02948; ExAC 0.03370; 1000 Genomes Project 30x 0.04575; 1000 Genomes Project 0.04692.
gnomAD v4.1: 36,934 of 1,612,058 alleles (2.3%); highest among the groups gnomAD compares: South Asian, 9.3%; 833 homozygotes.

Submissions (6):

Labcorp Genetics (formerly Invitae), Labcorp
Classification: Benign for Ichthyosis linearis circumflexa. Last evaluated: 2026-02-03. Review status: criteria provided, single submitter. Criteria: Invitae Variant Classification Sherloc (09022015). Collection method: clinical testing. Allele origin: germline.

Women's Health and Genetics/Laboratory Corporation of America, LabCorp
Classification: Benign. Last evaluated: 2026-01-21. Review status: criteria provided, single submitter. Criteria: LabCorp Variant Classification Summary - May 2015. Collection method: clinical testing. Allele origin: germline.

Mayo Clinic Laboratories, Mayo Clinic
Classification: Benign. Last evaluated: 2022-09-06. Review status: criteria provided, single submitter. Criteria: ACMG Guidelines, 2015. Collection method: clinical testing. Allele origin: germline. Observed: 5 variant alleles.

Illumina Laboratory Services, Illumina
Classification: Benign for Netherton syndrome. Last evaluated: 2018-01-13. Review status: criteria provided, single submitter. Criteria: ICSL Variant Classification Criteria 13 December 2019. Collection method: clinical testing. Allele origin: germline.
Comment: This variant was observed in the ICSL laboratory as part of a predisposition screen in an ostensibly healthy population. It had not been previously curated by ICSL or reported in the Human Gene Mutation Database (HGMD: prior to June 1st, 2018), and was therefore a candidate for classification through an automated scoring system. Utilizing variant allele frequency, disease prevalence and penetrance estimates, and inheritance mode, an automated score was calculated to assess if this variant is too frequent to cause the disease. Based on the score and internal cut-off values, a variant classified as benign is not then subjected to further curation. The score for this variant resulted in a classification of benign for this disease.

GeneDx
Classification: Benign. Last evaluated: 2014-03-06. Review status: criteria provided, single submitter. Criteria: GeneDx Variant Classification (06012015). Collection method: clinical testing. Allele origin: germline. Affected: yes.
Comment: This variant is considered likely benign or benign based on one or more of the following criteria: it is a conservative change, it occurs at a poorly conserved position in the protein, it is predicted to be benign by multiple in silico algorithms, and/or has population frequency not consistent with disease.

PreventionGenetics, part of Exact Sciences
Classification: Benign. Review status: criteria provided, single submitter. Criteria: ACMG Guidelines, 2015. Collection method: clinical testing. Allele origin: germline.

NM_006846.4(SPINK5):c.531G>A (p.Arg177=)

Gene: SPINK5 (serine peptidase inhibitor Kazal type 5; plus strand). Cytogenetic location: 5q32.
Variant type: single nucleotide variant.
Coding change: c.531G>A on transcript NM_006846.4 (MANE Select); coding-DNA position 531, G replaced by A.
Protein change: p.Arg177=; no amino-acid change (arginine 177 retained).
Molecular consequence: synonymous variant.
Genome position (GRCh38, 1-based): chr5:148,089,550, G>A. VCF-style: chr5-148089550-G-A. GRCh37 (hg19) VCF-style: chr5-147469113-G-A.
Other names: p.R177R:AGG>AGA; p.Arg177=; c.531G>A, p.Arg177= (NM_001127698.2, NM_001127699.2).
Identifiers: ClinVar variation 139255 (VCV000139255.17), dbSNP rs35121983, ClinGen allele CA293687.
Genomic context (GRCh38, chr5:148,089,550, plus strand): 5'-TCAGGATGTATGCAGTGCTTTTCGGCCCTTTGTTAGAGATGGAAGACTTGGATGCACAAG[G>A]GAAAATGATCCTGTTCTTGGTCCTGATGGGAAGACGCATGGCAATAAGTGTGCAATGTGT-3'
Protein context (NP_006837.2, residues 167-187): FVRDGRLGCT[Arg177=]ENDPVLGPDG